The following is an entry in ClinVar:

ClinVar aggregate classification (germline): Pathogenic (1 of 4 stars; one submission).

Conditions:
Renal tubulopathies.

gnomAD v4.1: 1 of 1,614,000 alleles (0.000062%); highest among the groups gnomAD compares: Non-Finnish European, 0.000085%; no homozygotes.

Submission:

Genetics Laboratory, Great Ormond Street Hospital NHS Foundation Trust, North Thames Genomic Laboratory Hub
Classification: Pathogenic for Renal tubulopathies. Last evaluated: 2026-03-17. Review status: criteria provided, single submitter. Criteria: ACGS Best Practice Guidelines for Variant Classification in Rare Disease 2024 v1.2. Collection method: clinical testing. Allele origin: germline. Affected: yes.
Comment: PM2_moderate, PVS1_very-strong, PM3_supporting

NM_020041.3(SLC2A9):c.535+1G>A

Gene: SLC2A9 (solute carrier family 2 member 9; minus strand). Cytogenetic location: 4p16.1.
Variant type: single nucleotide variant.
Coding change: c.535+1G>A on transcript NM_020041.3 (MANE Select); the canonical splice donor site of the intron after coding-DNA position 535, G replaced by A.
Molecular consequence: splice donor variant.
Genome position (GRCh38, 1-based): chr4:9,985,668, C>T on the plus strand (G>A on the coding strand, the complement: SLC2A9 is on the minus strand). VCF-style: chr4-9985668-C-T. GRCh37 (hg19) VCF-style: chr4-9987292-C-T.
Other names: c.448+1G>A (NM_001001290.2).
Identifiers: ClinVar variation 4850877 (VCV004850877.1).
Genomic context (GRCh38, chr4:9,985,668, plus strand): 5'-CATTTTGGGACACCCCCAAGGAGTATGTTACTGTTCCCTCCCCGTCATGGTGAACTCTCA[C>T]CTCCATCTATGCCCATGATGAAGCGTCCCACGATGAGCATTTCAAAGGCTCCTGCCTGGA-3'